The following is an entry in ClinVar:

ClinVar aggregate classification (germline): Benign/Likely benign. Review status: criteria provided, multiple submitters, no conflicts (2 of 4 stars). 4 submissions from 4 submitters: Benign (1); Likely benign (3). Last evaluated 2026-01-19.

Conditions:
Hereditary cancer-predisposing syndrome. Also called: Hereditary Cancer Syndrome; Neoplastic Syndromes, Hereditary; Tumor predisposition; Hereditary neoplastic syndrome. Identifiers: Orphanet 140162, MedGen C0027672, MeSH D009386, MONDO:0015356.
Familial cancer of breast. Also called: Hereditary breast cancer; BREAST CANCER, FAMILIAL; hereditary breast carcinoma. Identifiers: Orphanet 227535, MedGen C0346153, MONDO:0016419, OMIM 114480. Disease mechanism: loss of function.

Allele frequency attached by ClinVar (database versions not stated): gnomAD exomes below 0.00001 and 0.00001.

Submissions (4):

Labcorp Genetics (formerly Invitae), Labcorp
Classification: Likely benign for Familial cancer of breast. Last evaluated: 2026-01-19. Review status: criteria provided, single submitter. Criteria: Invitae Variant Classification Sherloc (09022015). Collection method: clinical testing. Allele origin: germline.

Myriad Genetics, Inc.
Classification: Benign for Familial cancer of breast. Last evaluated: 2024-07-25. Review status: criteria provided, single submitter. Criteria: Myriad Autosomal Dominant, Autosomal Recessive and X-Linked Classification Criteria (2023). Collection method: clinical testing. Allele origin: unknown.
Comment: This variant is considered benign. This variant is a silent/synonymous amino acid change and it is not expected to impact splicing.

Ambry Genetics
Classification: Likely benign for Hereditary cancer-predisposing syndrome. Last evaluated: 2019-07-31. Review status: criteria provided, single submitter. Criteria: Ambry Variant Classification Scheme 2023. Collection method: clinical testing. Allele origin: germline.

Color Diagnostics, LLC DBA Color Health
Classification: Likely benign for Hereditary cancer-predisposing syndrome. Last evaluated: 2017-08-14. Review status: criteria provided, single submitter. Criteria: ACMG Guidelines, 2015. Collection method: clinical testing. Allele origin: germline.

NM_000465.4(BARD1):c.1488A>C (p.Ser496=)

Gene: BARD1 (BRCA1 associated RING domain 1; minus strand). Cytogenetic location: 2q35.
Variant type: single nucleotide variant.
Coding change: c.1488A>C on transcript NM_000465.4 (MANE Select); coding-DNA position 1488, A replaced by C.
Protein change: p.Ser496=; no amino-acid change (serine 496 retained).
Molecular consequence: synonymous variant. On other transcripts: non-coding transcript variant (3), intron variant (3).
Genome position (GRCh38, 1-based): chr2:214,767,562, T>G on the plus strand (A>C on the coding strand, the complement: BARD1 is on the minus strand). VCF-style: chr2-214767562-T-G. GRCh37 (hg19) VCF-style: chr2-215632286-T-G.
Other names: c.1431A>C, p.Ser477= (NM_001282543.2); c.159-15007A>C (NM_001282548.2); c.216-15007A>C (NM_001282545.2); c.364+24735A>C (NM_001282549.2).
Identifiers: ClinVar variation 490933 (VCV000490933.17), dbSNP rs1415537947, ClinGen allele CA431129423.